The following is an entry in ClinVar:

ClinVar aggregate classification (germline): Uncertain significance. Review status: criteria provided, multiple submitters, no conflicts (2 of 4 stars). 2 submissions from 2 submitters: Uncertain significance (2). Last evaluated 2025-11-17.

Conditions:
Ataxia-telangiectasia syndrome (AT). Also called: Ataxia-telangiectasia; Ataxia-telangiectasia, complementation group D; AT, COMPLEMENTATION GROUP C; Ataxia-telangiectasia, complementation group E; LOUIS-BAR SYNDROME; Cerebello-oculocutaneous telangiectasia. Identifiers: Orphanet 100, MedGen C0004135, MONDO:0008840, OMIM 208900.
Hereditary cancer-predisposing syndrome. Also called: Neoplastic Syndromes, Hereditary; Tumor predisposition; Hereditary Cancer Syndrome; Hereditary neoplastic syndrome. Identifiers: Orphanet 140162, MedGen C0027672, MeSH D009386, MONDO:0015356.

Submissions (2):

Labcorp Genetics (formerly Invitae), Labcorp
Classification: Uncertain significance for Ataxia-telangiectasia syndrome. Last evaluated: 2025-11-17. Review status: criteria provided, single submitter. Criteria: Invitae Variant Classification Sherloc (09022015). Collection method: clinical testing. Allele origin: germline.
Comment: This variant, c.8416_8418del, results in the deletion of 1 amino acid(s) of the ATM protein (p.Met2806del), but otherwise preserves the integrity of the reading frame. This variant is not present in population databases (gnomAD no frequency). This variant has not been reported in the literature in individuals affected with ATM-related conditions. Experimental studies and prediction algorithms are not available or were not evaluated, and the functional significance of this variant is currently unknown. In summary, the available evidence is currently insufficient to determine the role of this variant in disease. Therefore, it has been classified as a Variant of Uncertain Significance.

Ambry Genetics
Classification: Uncertain significance for Hereditary cancer-predisposing syndrome. Last evaluated: 2024-06-06. Review status: criteria provided, single submitter. Criteria: Ambry Variant Classification Scheme 2023. Collection method: clinical testing. Allele origin: germline.
Comment: The c.8416_8418delATG variant (also known as p.M2806del) is located in coding exon 56 of the ATM gene. This variant results from an in-frame ATG deletion at nucleotide positions 8416 to 8418. This results in the in-frame deletion of a methionine at codon 2806. This amino acid position is not well conserved in available vertebrate species. In addition, this alteration is predicted to be deleterious by in silico analysis (Choi Y et al. PLoS ONE. 2012; 7(10):e46688). Based on the available evidence, the clinical significance of this variant remains unclear.

NM_000051.4(ATM):c.8413ATG[1] (p.Met2806del)

Genes: ATM (ATM serine/threonine kinase; plus strand), C11orf65 (chromosome 11 open reading frame 65; minus strand). Cytogenetic location: 11q22.3.
Variant type: Microsatellite.
Coding change: c.8413ATG[1] on transcript NM_000051.4 (MANE Select); one copy of the 3-base unit ATG starting at c.8413; the reference has two copies in a row; one copy, 3 bases deleted.
Protein change: p.Met2806del; deletes methionine 2806.
Molecular consequence: inframe deletion. On other transcripts: inframe indel (1), intron variant (2).
Genome position (GRCh38, 1-based): chr11:108,343,369-108,343,371, ATG deleted; deleting any 3 consecutive bases within chr11:108,343,366-108,343,371 gives the same sequence; the position shown is the placement nearest the transcript's 3' end. VCF-style (leftmost placement, unchanged base first): chr11-108343365-AATG-A. GRCh37 (hg19) VCF-style: chr11-108214092-AATG-A.
Other names: c.8416_8418delATG (NM_000051.3); c.641-34297_641-34295del (NM_001330368.2); c.695-8076_695-8074del (NM_001351110.2); c.8413ATG[1], p.Met2806del (NM_001351834.2); short protein forms M2806del.
Identifiers: ClinVar variation 3326363 (VCV003326363.1).